The following is an entry in ClinVar:

ClinVar aggregate classification (germline): Likely pathogenic (1 of 4 stars; one submission).

Conditions:
Hereditary cancer-predisposing syndrome. Also called: Neoplastic Syndromes, Hereditary; Tumor predisposition; Hereditary Cancer Syndrome; Hereditary neoplastic syndrome. Identifiers: Orphanet 140162, MedGen C0027672, MeSH D009386, MONDO:0015356.

Submission:

Ambry Genetics
Classification: Likely pathogenic for Hereditary cancer-predisposing syndrome. Last evaluated: 2026-01-07. Review status: criteria provided, single submitter. Criteria: Ambry Variant Classification Scheme 2023. Collection method: clinical testing. Allele origin: germline.
Comment: The p.F497S variant (also known as c.1490T>C), located in coding exon 10 of the FH gene, results from a T to C substitution at nucleotide position 1490. The phenylalanine at codon 497 is replaced by serine, an amino acid with highly dissimilar properties. This variant was reported in individual(s) with features consistent with FH-related tumor predisposition (Guo Y et al. Zhonghua Yi Xue Yi Chuan Xue Za Zhi, 2022 May;39:494-498; Ambry internal data). This amino acid position is highly conserved in available vertebrate species. In addition, this alteration is predicted to be deleterious by in silico analysis. Based on the majority of available evidence to date, this variant is likely to be pathogenic.

Literature cited by the submitters: PubMed 35598264.

NM_000143.4(FH):c.1490T>C (p.Phe497Ser)

Gene: FH (fumarate hydratase; minus strand). Cytogenetic location: 1q43.
Variant type: single nucleotide variant.
Coding change: c.1490T>C on transcript NM_000143.4 (MANE Select); coding-DNA position 1490, T replaced by C.
Protein change: p.Phe497Ser; replaces phenylalanine 497 with serine.
Molecular consequence: missense variant.
Genome position (GRCh38, 1-based): chr1:241,497,871, A>G on the plus strand (T>C on the coding strand, the complement: FH is on the minus strand). VCF-style: chr1-241497871-A-G. GRCh37 (hg19) VCF-style: chr1-241661171-A-G.
Other names: short protein forms F497S.
Identifiers: ClinVar variation 4843545 (VCV004843545.1).